The following is an entry in ClinVar:

ClinVar aggregate classification (germline): Pathogenic. Review status: criteria provided, multiple submitters, no conflicts (2 of 4 stars). 3 submissions from 3 submitters: Pathogenic (3). Last evaluated 2025-06-03.

Conditions:
Multiple endocrine neoplasia, type 1 (MEN1). Also called: MEN I; WERMER SYNDROME; Endocrine adenomatosis multiple; MEN 1; MEA I. Identifiers: Orphanet 652, MedGen C0025267, MeSH D018761, MONDO:0007540, OMIM 131100.
Hereditary cancer-predisposing syndrome. Also called: Tumor predisposition; Neoplastic Syndromes, Hereditary; Hereditary Cancer Syndrome; Hereditary neoplastic syndrome. Identifiers: Orphanet 140162, MedGen C0027672, MeSH D009386, MONDO:0015356.

Submissions (3):

Labcorp Genetics (formerly Invitae), Labcorp
Classification: Pathogenic for Multiple endocrine neoplasia, type 1. Last evaluated: 2025-06-03. Review status: criteria provided, single submitter. Criteria: Invitae Variant Classification Sherloc (09022015). Collection method: clinical testing. Allele origin: germline.
Comment: This sequence change creates a premature translational stop signal (p.Gly202Alafs*22) in the MEN1 gene. It is expected to result in an absent or disrupted protein product. Loss-of-function variants in MEN1 are known to be pathogenic (PMID: 12112656, 17853334). This variant is not present in population databases (gnomAD no frequency). This premature translational stop signal has been observed in individual(s) with multiple endocrine neoplasia type 1 (PMID: 9215689). This variant is also known as 713delG. ClinVar contains an entry for this variant (Variation ID: 2673514). For these reasons, this variant has been classified as Pathogenic.

Ambry Genetics
Classification: Pathogenic for Hereditary cancer-predisposing syndrome. Last evaluated: 2024-11-26. Review status: criteria provided, single submitter. Criteria: Ambry Variant Classification Scheme 2023. Collection method: clinical testing. Allele origin: germline.
Comment: The c.605delG pathogenic mutation, located in coding exon 2 of the MEN1 gene, results from a deletion of one nucleotide at nucleotide position 605, causing a translational frameshift with a predicted alternate stop codon (p.G202Afs*22). This variant (also designated as 713delG) was reported in individual(s) with features consistent with multiple endocrine neoplasia type 1 (MEN1) (Agarwal SK et al. Hum Mol Genet, 1997 Jul;6:1169-75; Ambry internal data). This variant is considered to be rare based on population cohorts in the Genome Aggregation Database (gnomAD). This alteration is expected to result in loss of function by premature protein truncation or nonsense-mediated mRNA decay. As such, this alteration is interpreted as a disease-causing mutation.

Myriad Genetics, Inc.
Classification: Pathogenic for Multiple endocrine neoplasia, type 1. Last evaluated: 2023-07-11. Review status: criteria provided, single submitter. Criteria: Myriad Autosomal Dominant, Autosomal Recessive and X-Linked Classification Criteria (2023). Collection method: clinical testing. Allele origin: unknown.
Comment: This variant is considered pathogenic. This variant creates a frameshift predicted to result in premature protein truncation.

Literature cited by the submitters: PubMed 12112656 (cited by Labcorp Genetics (formerly Invitae), Labcorp); PubMed 17853334 (cited by Labcorp Genetics (formerly Invitae), Labcorp); PubMed 9215689 (cited by Labcorp Genetics (formerly Invitae), Labcorp and Ambry Genetics).

NM_001370259.2(MEN1):c.605del (p.Gly202fs)

Gene: MEN1 (menin 1; minus strand). Cytogenetic location: 11q13.1.
Variant type: Deletion.
Coding change: c.605del on transcript NM_001370259.2 (MANE Select); coding-DNA position 605, one base deleted (G; older notation c.605delG).
Protein change: p.Gly202fs; shifts the reading frame from glycine 202.
Molecular consequence: frameshift variant. On other transcripts: non-coding transcript variant (4), intron variant (5).
Genome position (GRCh38, 1-based): chr11:64,807,940, C deleted on the plus strand (G on the coding strand, the reverse complement: MEN1 is on the minus strand); the first of 3 consecutive C bases (chr11:64,807,940-64,807,942); deleting any one gives the same sequence. VCF-style (leftmost placement, unchanged base first): chr11-64807939-GC-G. GRCh37 (hg19) VCF-style: chr11-64575411-GC-G.
Other names: c.605delG (NM_130799.2); c.620del, p.Gly207fs (NM_000244.4, NM_001407145.1, NM_001407150.1 and 5 more transcripts); c.605del, p.Gly202fs (NM_001370251.2, NM_001370260.2, NM_001370261.2 and 7 more transcripts); c.549+56del (NM_001407148.1, NM_001407149.1, NM_001407151.1 and 2 more transcripts); short protein forms G202fs, G207fs.
Identifiers: ClinVar variation 2673514 (VCV002673514.3), dbSNP rs2497219158, ClinGen allele CA2695198903.